The following is an entry in ClinVar:

ClinVar aggregate classification (germline): Uncertain significance (1 of 4 stars; one submission).

Conditions:
Microcephaly-intellectual disability-sensorineural hearing loss-epilepsy-abnormal muscle tone syndrome (NEDHSB). Also called: NEURODEVELOPMENTAL DISORDER WITH HEARING LOSS, SEIZURES, AND BRAIN ABNORMALITIES. Identifiers: Orphanet 457351, MedGen C4225276, MONDO:0014698, OMIM 616577.

Allele frequency attached by ClinVar (database versions not stated): gnomAD exomes below 0.00001.
gnomAD v4.1: 1 of 1,614,190 alleles (0.000062%); highest among the groups gnomAD compares: Non-Finnish European, 0.000085%; no homozygotes.

Submission:

Labcorp Genetics (formerly Invitae), Labcorp
Classification: Uncertain significance for Microcephaly-intellectual disability-sensorineural hearing loss-epilepsy-abnormal muscle tone syndrome. Last evaluated: 2022-08-21. Review status: criteria provided, single submitter. Criteria: Invitae Variant Classification Sherloc (09022015). Collection method: clinical testing. Allele origin: germline.
Comment: Advanced modeling of protein sequence and biophysical properties (such as structural, functional, and spatial information, amino acid conservation, physicochemical variation, residue mobility, and thermodynamic stability) performed at Invitae indicates that this missense variant is not expected to disrupt SPATA5 protein function. This variant has not been reported in the literature in individuals affected with SPATA5-related conditions. This variant is not present in population databases (gnomAD no frequency). This sequence change replaces alanine, which is neutral and non-polar, with serine, which is neutral and polar, at codon 296 of the SPATA5 protein (p.Ala296Ser). In summary, the available evidence is currently insufficient to determine the role of this variant in disease. Therefore, it has been classified as a Variant of Uncertain Significance.

NM_145207.3(AFG2A):c.886G>T (p.Ala296Ser)

Gene: AFG2A (AAA ATPase AFG2A; plus strand). Cytogenetic location: 4q28.1.
Variant type: single nucleotide variant.
Coding change: c.886G>T on transcript NM_145207.3 (MANE Select); coding-DNA position 886, G replaced by T.
Protein change: p.Ala296Ser; replaces alanine 296 with serine.
Molecular consequence: missense variant.
Genome position (GRCh38, 1-based): chr4:122,934,477, G>T. VCF-style: chr4-122934477-G-T. GRCh37 (hg19) VCF-style: chr4-123855632-G-T.
Other names: c.883G>T, p.Ala295Ser (NM_001317799.2, NM_001345856.2); short protein forms A296S, A295S.
Identifiers: ClinVar variation 1914562 (VCV001914562.4), dbSNP rs2476807810, ClinGen allele CA358102362.